The following is an entry in ClinVar:

NM_000424.4(KRT5):c.974T>C (p.Leu325Pro)

Gene: KRT5 (keratin 5; minus strand). Cytogenetic location: 12q13.13.
Variant type: single nucleotide variant.
Coding change: c.974T>C on transcript NM_000424.4 (MANE Select); coding-DNA position 974, T replaced by C.
Protein change: p.Leu325Pro; replaces leucine 325 with proline.
Molecular consequence: missense variant.
Genome position (GRCh38, 1-based): chr12:52,517,708, A>G on the plus strand (T>C on the coding strand, the complement: KRT5 is on the minus strand). VCF-style: chr12-52517708-A-G. GRCh37 (hg19) VCF-style: chr12-52911492-A-G.
Other names: short protein forms L325P.
Identifiers: ClinVar variation 66289 (VCV000066289.2), dbSNP rs58107458, ClinGen allele CA216801.

ClinVar aggregate classification (germline): Likely pathogenic. Review status: criteria provided, single submitter (1 of 4 stars). 2 submissions from 2 submitters: Likely pathogenic (1). 1 of the submissions does not count toward it. Last evaluated 2023-03-02.

Conditions:
KRT5-related disorder. Also called: KRT5-related condition.

Submissions (2):

PreventionGenetics, part of Exact Sciences
Classification: Likely pathogenic for KRT5-related condition. Last evaluated: 2023-03-02. Review status: criteria provided, single submitter. Criteria: ACMG Guidelines, 2015. Collection method: clinical testing. Allele origin: germline.
Comment: The KRT5 c.974T>C variant is predicted to result in the amino acid substitution p.Leu325Pro. Alternative nucleotide changes affecting the same amino acid (p.Leu325Phe and p.Leu325His) have also been reported in individuals with epidermolysis bullosa (Wertheim-Tysarowska et al. 2016. PubMed ID: 26432462; Vellarikkal et al. 2014. PubMed ID: 27081501). This variant has not been reported in a large population database, indicating this variant is rare. This variant is interpreted as likely pathogenic.

Epithelial Biology;  Institute of Medical Biology, Singapore
No classification provided. Review status: no classification provided. Collection method: not provided. Allele origin: not provided. Not counted in ClinVar's aggregate classification.